The following is an entry in ClinVar:

ClinVar aggregate classification (germline): Likely benign. Review status: criteria provided, multiple submitters, no conflicts (2 of 4 stars). 2 submissions from 2 submitters: Likely benign (2). Last evaluated 2026-02-01.

Allele frequency attached by ClinVar (database versions not stated): gnomAD exomes below 0.00001.
gnomAD v4.1: 2 of 1,613,390 alleles (0.00012%); highest among the groups gnomAD compares: Non-Finnish European, 0.00017%; no homozygotes.

Submissions (2):

CeGaT Center for Human Genetics Tuebingen
Classification: Likely benign. Last evaluated: 2026-02-01. Review status: criteria provided, single submitter. Criteria: CeGaT Center For Human Genetics Tuebingen Variant Classification Criteria Version 2. Collection method: clinical testing. Allele origin: germline. Affected: yes. Observed: 1 variant allele.
Comment: NOTCH3: BP4, BP7

Labcorp Genetics (formerly Invitae), Labcorp
Classification: Likely benign. Last evaluated: 2018-07-07. Review status: criteria provided, single submitter. Criteria: Invitae Variant Classification Sherloc (09022015). Collection method: clinical testing. Allele origin: germline.

NM_000435.3(NOTCH3):c.5898C>T (p.Asp1966=)

Gene: NOTCH3 (notch receptor 3; minus strand). Cytogenetic location: 19p13.12.
Variant type: single nucleotide variant.
Coding change: c.5898C>T on transcript NM_000435.3 (MANE Select); coding-DNA position 5898, C replaced by T.
Protein change: p.Asp1966=; no amino-acid change (aspartic acid 1966 retained).
Molecular consequence: synonymous variant.
Genome position (GRCh38, 1-based): chr19:15,162,480, G>A on the plus strand (C>T on the coding strand, the complement: NOTCH3 is on the minus strand). VCF-style: chr19-15162480-G-A. GRCh37 (hg19) VCF-style: chr19-15273291-G-A.
Identifiers: ClinVar variation 757503 (VCV000757503.5), dbSNP rs1599361324, ClinGen allele CA505817153.